The following is an entry in ClinVar:

NM_152383.5(DIS3L2):c.1234G>A (p.Asp412Asn)

Gene: DIS3L2 (DIS3 like 3'-5' exoribonuclease 2; plus strand). Cytogenetic location: 2q37.1.
Variant type: single nucleotide variant.
Coding change: c.1234G>A on transcript NM_152383.5 (MANE Select); coding-DNA position 1234, G replaced by A.
Protein change: p.Asp412Asn; replaces aspartic acid 412 with asparagine.
Molecular consequence: missense variant. On other transcripts: non-coding transcript variant (2).
Genome position (GRCh38, 1-based): chr2:232,238,562, G>A. VCF-style: chr2-232238562-G-A. GRCh37 (hg19) VCF-style: chr2-233103272-G-A.
Other names: c.1234G>A, p.Asp412Asn (NM_001257281.2); short protein forms D412N.
Identifiers: ClinVar variation 3764545 (VCV003764545.1).

ClinVar aggregate classification (germline): Uncertain significance (1 of 4 stars; one submission).

Conditions:
Perlman syndrome (PRLMNS). Identifiers: Orphanet 2849, MedGen C0796113, MONDO:0009965, OMIM 267000.

Submission:

Daryl Scott Lab, Baylor College of Medicine
Classification: Uncertain significance for Perlman syndrome. Last evaluated: 2024-01-01. Review status: criteria provided, single submitter. Criteria: ACMG Guidelines, 2015. Collection method: clinical testing. Allele origin: biparental. Observed: 1 homozygote.
Comment: PM2, PP3